The following is an entry in ClinVar:

ClinVar aggregate classification (germline): Likely benign. Review status: criteria provided, multiple submitters, no conflicts (2 of 4 stars). 3 submissions from 3 submitters: Likely benign (3). Last evaluated 2024-10-23.

Conditions:
Hereditary cancer-predisposing syndrome. Also called: Neoplastic Syndromes, Hereditary; Tumor predisposition; Hereditary neoplastic syndrome; Hereditary Cancer Syndrome. Identifiers: Orphanet 140162, MedGen C0027672, MeSH D009386, MONDO:0015356.
Familial adenomatous polyposis 2. Also called: COLORECTAL ADENOMATOUS POLYPOSIS, AUTOSOMAL RECESSIVE; ADENOMAS, MULTIPLE COLORECTAL, AUTOSOMAL RECESSIVE; MUTYH-associated polyposis; FAP type 2; MUTYH-related attenuated familial adenomatous polyposis; Adenomas, multiple colorectal. Identifiers: Orphanet 220460, Orphanet 247798, MedGen C3272841, MONDO:0012041, OMIM 608456.

Allele frequency attached by ClinVar (database versions not stated): gnomAD exomes below 0.00001; TOPMed below 0.00001.
gnomAD v4.1: 1 of 1,614,196 alleles (0.000062%); highest among the groups gnomAD compares: Non-Finnish European, 0.000085%; no homozygotes.

Submissions (3):

Labcorp Genetics (formerly Invitae), Labcorp
Classification: Likely benign for Familial adenomatous polyposis 2. Last evaluated: 2024-10-23. Review status: criteria provided, single submitter. Criteria: Invitae Variant Classification Sherloc (09022015). Collection method: clinical testing. Allele origin: germline.

All of Us Research Program, National Institutes of Health
Classification: Likely benign for Familial adenomatous polyposis 2. Last evaluated: 2023-05-04. Review status: criteria provided, single submitter. Criteria: ACMG Guidelines, 2015. Collection method: clinical testing. Allele origin: germline. Inheritance: Autosomal recessive inheritance. Observed: 1 variant allele, 1 heterozygote.
Comment: This study involves interpretation of variants in research participants for the purpose of population health screening. Participant phenotype was not available at the time of variant classification. Additional details can be found in publication PMID: 35346344, PMCID: PMC8962531

Color Diagnostics, LLC DBA Color Health
Classification: Likely benign for Hereditary cancer-predisposing syndrome. Last evaluated: 2023-01-05. Review status: criteria provided, single submitter. Criteria: ACMG Guidelines, 2015. Collection method: clinical testing. Allele origin: germline.

NM_001048174.2(MUTYH):c.421-7C>T

Gene: MUTYH (mutY DNA glycosylase; minus strand). Cytogenetic location: 1p34.1.
Variant type: single nucleotide variant.
Coding change: c.421-7C>T on transcript NM_001048174.2 (MANE Select); 7 bases into the intron before coding-DNA position 421, C replaced by T.
Molecular consequence: intron variant.
Genome position (GRCh38, 1-based): chr1:45,332,841, G>A on the plus strand (C>T on the coding strand, the complement: MUTYH is on the minus strand). VCF-style: chr1-45332841-G-A. GRCh37 (hg19) VCF-style: chr1-45798513-G-A.
Other names: c.76-7C>T (NM_001350651.2, NM_001350650.2); c.145-7C>T (NM_001293192.2, NM_001293196.2); c.421-7C>T (NM_001048171.2, NM_001048173.2, NM_001293195.2); c.466-7C>T (NM_001293190.2); c.496-7C>T (NM_012222.3); c.505-7C>T (NM_001128425.2); c.424-7C>T (NM_001048172.2); c.454-7C>T (NM_001293191.2).
Identifiers: ClinVar variation 464727 (VCV000464727.12), dbSNP rs1553129112, ClinGen allele CA658656929.